The following is an entry in ClinVar:

ClinVar aggregate classification (germline): Uncertain significance (1 of 4 stars; one submission).

Conditions:
Sifrim-Hitz-Weiss syndrome (SIHIWES). Also called: CHD4 Neurodevelopmental Disorder; SIFRIM-HITZ-WEISS MULTIPLE CONGENITAL ANOMALIES-MENTAL RETARDATION SYNDROME. Identifiers: Orphanet 653712, MedGen C4310688, MONDO:0014946, OMIM 617159.

Submission:

Victorian Clinical Genetics Services, Murdoch Childrens Research Institute
Classification: Uncertain significance for Sifrim-Hitz-Weiss syndrome. Last evaluated: 2025-09-11. Review status: criteria provided, single submitter. Criteria: ACMG Guidelines, 2015. Collection method: clinical testing. Allele origin: germline. Affected: yes.
Comment: This variant is classified as VUS-3C. Evidence in support of pathogenic classification: Variant is absent from gnomAD (v2, v3 and v4); Missense variant predicted to be damaging by in silico tool(s) or highly conserved with a major amino acid change. Additional information: Variant is predicted to result in a missense amino acid change from Arg to Cys; This variant is heterozygous; This gene is associated with autosomal dominant disease; Alternative amino acid change(s) at the same position are present in gnomAD (Highest allele count: v4: 5 heterozygote(s), 0 homozygote(s)); This variant has no previous evidence of pathogenicity; No published evidence of segregation with disease has been identified for this variant; No published functional evidence has been identified for this variant; No comparable missense variants have previous evidence for pathogenicity; Variant is located in the annotated PHD-finger domain (DECIPHER); The mechanism of disease for this gene is not clearly established. The mechanism of disease for Sifrim-Hitz-Weiss syndrome (MIM#617159) is suggested to be dominant negative or gain of function (PMID: 31388190). Protein truncating variants have been reported; however, these cases lack consistent clinical features with the disease mechanism remaining unclear (PMID: 31388190, 31474762); Variants in this gene are known to have variable expressivity (OMIM; PMID: 31388190).

Literature cited by the submitters: PubMed 31474762; PubMed 31388190.

NM_001273.5(CHD4):c.1168C>T (p.Arg390Cys)

Gene: CHD4 (chromodomain helicase DNA binding protein 4; minus strand). Cytogenetic location: 12p13.31.
Variant type: single nucleotide variant.
Coding change: c.1168C>T on transcript NM_001273.5 (MANE Select); coding-DNA position 1168, C replaced by T.
Protein change: p.Arg390Cys; replaces arginine 390 with cysteine.
Molecular consequence: missense variant.
Genome position (GRCh38, 1-based): chr12:6,600,291, G>A on the plus strand (C>T on the coding strand, the complement: CHD4 is on the minus strand). VCF-style: chr12-6600291-G-A. GRCh37 (hg19) VCF-style: chr12-6709457-G-A.
Other names: c.1147C>T, p.Arg383Cys (NM_001297553.2); c.1129C>T, p.Arg377Cys (NM_001363606.2); short protein forms R377C, R383C, R390C.
Identifiers: ClinVar variation 4531435 (VCV004531435.1).